The following is an entry in ClinVar:

NM_001379110.1(SLC9A6):c.1582G>A (p.Gly528Ser)

Gene: SLC9A6 (solute carrier family 9 member A6; plus strand). Cytogenetic location: Xq26.3.
Variant type: single nucleotide variant.
Coding change: c.1582G>A on transcript NM_001379110.1 (MANE Select); coding-DNA position 1582, G replaced by A.
Protein change: p.Gly528Ser; replaces glycine 528 with serine.
Molecular consequence: missense variant.
Genome position (GRCh38, 1-based): chrX:136,033,414, G>A. VCF-style: chrX-136033414-G-A. GRCh37 (hg19) VCF-style: chrX-135115573-G-A.
Other names: c.1648G>A, p.Gly550Ser (NM_001042537.2); c.1492G>A, p.Gly498Ser (NM_001177651.2); c.1396G>A, p.Gly466Ser (NM_001330652.2); c.1552G>A, p.Gly518Ser (NM_006359.3); short protein forms G466S, G518S, G550S, G498S, G528S.
Identifiers: ClinVar variation 951462 (VCV000951462.10), dbSNP rs2071360759, ClinGen allele CA414755354.

ClinVar aggregate classification (germline): Uncertain significance (1 of 4 stars; one submission).

Conditions:
Christianson syndrome (MRXSCH). Also called: INTELLECTUAL DEVELOPMENTAL DISORDER, X-LINKED, SYNDROMIC, CHRISTIANSON TYPE; X-linked mental retardation, syndromic, Christianson type; SLC9A6-Related Syndromic Mental Retardation. Identifiers: Orphanet 85278, MedGen C2678194, MONDO:0010278, OMIM 300243.

Submission:

Labcorp Genetics (formerly Invitae), Labcorp
Classification: Uncertain significance for Christianson syndrome. Last evaluated: 2019-07-05. Review status: criteria provided, single submitter. Criteria: Invitae Variant Classification Sherloc (09022015). Collection method: clinical testing. Allele origin: germline.
Comment: This variant has not been reported in the literature in individuals with SLC9A6-related conditions. Algorithms developed to predict the effect of missense changes on protein structure and function output the following: SIFT: "Tolerated"; PolyPhen-2: "Benign"; Align-GVGD: "Class C0". The serine amino acid residue is found in multiple mammalian species, suggesting that this missense change does not adversely affect protein function. These predictions have not been confirmed by published functional studies and their clinical significance is uncertain. In summary, the available evidence is currently insufficient to determine the role of this variant in disease. Therefore, it has been classified as a Variant of Uncertain Significance. This variant is not present in population databases (ExAC no frequency). This sequence change replaces glycine with serine at codon 518 of the SLC9A6 protein (p.Gly518Ser). The glycine residue is moderately conserved and there is a small physicochemical difference between glycine and serine.